The following is an entry in ClinVar:

ClinVar aggregate classification (germline): Conflicting classifications of pathogenicity. Review status: criteria provided, conflicting classifications (1 of 4 stars). 8 submissions from 6 submitters: Uncertain significance (7); Likely benign (1). Last evaluated 2026-04-08.

Conditions:
Infantile cortical hyperostosis. Also called: Hyperostosis, Cortical, Congenital; Caffey Disease; P1PK BLOOD GROUP SYSTEM, P(2) PHENOTYPE. Identifiers: Orphanet 1310, MedGen C0020497, MONDO:0007244, OMIM 114000.
Osteogenesis imperfecta (OI). Identifiers: Orphanet 666, MedGen C0029434, MeSH D010013, MONDO:0019019.
Osteogenesis imperfecta type I (OI1). Also called: OI, TYPE I; OSTEOGENESIS IMPERFECTA TARDA; OSTEOGENESIS IMPERFECTA WITH BLUE SCLERAE; Lobstein's Disease; Osteogenesis imperfecta type 1; Lobstein disease. Identifiers: Orphanet 216796, Orphanet 666, MedGen C0023931, MONDO:0008146, OMIM 166200. Disease mechanism: loss of function.
Ehlers-Danlos syndrome, arthrochalasia type. Also called: Ehlers-Danlos syndrome, arthrochalasis type; ARTHROCHALASIS MULTIPLEX CONGENITA; EDS VII, MUTANT PROCOLLAGEN TYPE; EDS VIIA; Ehlers-Danlos syndrome, arthrochalasia type, 1. Identifiers: Orphanet 1899, Orphanet 99875, Orphanet 99876, MedGen C4551623, MONDO:0007525, OMIM 130060.
COL1A1-related disorder. Also called: COL1A1-related condition; COL1A1- related disease.
Ehlers-Danlos syndrome (EDS). Identifiers: Orphanet 98249, MedGen C0013720, MONDO:0020066.

Allele frequency attached by ClinVar (database versions not stated): gnomAD exomes below 0.00001 and 0.00001; ExAC 0.00001; gnomAD 0.00002; TOPMed 0.00002.
gnomAD v4.1: 16 of 1,613,044 alleles (0.00099%); highest among the groups gnomAD compares: African/African-American, 0.0027%; no homozygotes.

Submissions (8):

PreventionGenetics, part of Exact Sciences
Classification: Uncertain significance for COL1A1-related condition. Last evaluated: 2026-04-08. Review status: criteria provided, single submitter. Criteria: ACMG Guidelines, 2015. Collection method: clinical testing. Allele origin: germline.
Comment: The COL1A1 c.2743C>T variant is predicted to result in the amino acid substitution p.Pro915Ser. To our knowledge, this variant has not been reported in the literature. This variant is reported in 0.0062% of alleles in individuals of African descent in gnomAD. At this time, the clinical significance of this variant is uncertain due to the absence of conclusive functional and genetic evidence.

Labcorp Genetics (formerly Invitae), Labcorp
Classification: Likely benign for Osteogenesis imperfecta type I. Last evaluated: 2025-12-24. Review status: criteria provided, single submitter. Criteria: Invitae Variant Classification Sherloc (09022015). Collection method: clinical testing. Allele origin: germline.

Women's Health and Genetics/Laboratory Corporation of America, LabCorp
Classification: Uncertain significance. Last evaluated: 2025-11-25. Review status: criteria provided, single submitter. Criteria: LabCorp Variant Classification Summary - May 2015. Collection method: clinical testing. Allele origin: germline.
Comment: Variant summary: COL1A1 c.2743C>T (p.Pro915Ser) results in a non-conservative amino acid change in the encoded protein sequence. Algorithms developed to predict the effect of missense changes on protein structure and function all suggest that this variant is likely to be disruptive. The variant allele was found at a frequency of 4e-06 in 250478 control chromosomes. The available data on variant occurrences in the general population are insufficient to allow any conclusion about variant significance. To our knowledge, no occurrence of c.2743C>T in individuals affected with COL1A1-related conditions and no experimental evidence demonstrating its impact on protein function have been reported. ClinVar contains an entry for this variant (Variation ID: 324106). Based on the evidence outlined above, the variant was classified as uncertain significance.

GeneDx
Classification: Uncertain significance. Last evaluated: 2020-12-17. Review status: criteria provided, single submitter. Criteria: GeneDx Variant Classification Process June 2021. Collection method: clinical testing. Allele origin: germline. Affected: yes.
Comment: Has not been previously published as pathogenic or benign to our knowledge; In silico analysis supports that this missense variant has a deleterious effect on protein structure/function; Occurs in the triple helical domain at the X position in the canonical Gly-X-Y repeat; although this variant may have an effect on normal protein folding and function, missense substitution at the X position is not a common mechanism of disease (Stenson et al., 2014)

Genome Diagnostics Laboratory, The Hospital for Sick Children
Classification: Uncertain significance for Ehlers-Danlos syndrome. Last evaluated: 2020-09-09. Review status: criteria provided, single submitter. Criteria: ACMG Guidelines, 2015. Collection method: clinical testing. Allele origin: germline.

Illumina Laboratory Services, Illumina
Classification: Uncertain significance for Osteogenesis imperfecta. Last evaluated: 2018-01-13. Review status: criteria provided, single submitter. Criteria: ICSL Variant Classification Criteria 13 December 2019. Collection method: clinical testing. Allele origin: germline.

Illumina Laboratory Services, Illumina
Classification: Uncertain significance for Ehlers-Danlos syndrome, arthrochalasia type. Last evaluated: 2018-01-13. Review status: criteria provided, single submitter. Criteria: ICSL Variant Classification Criteria 13 December 2019. Collection method: clinical testing. Allele origin: germline.

Illumina Laboratory Services, Illumina
Classification: Uncertain significance for Infantile cortical hyperostosis. Last evaluated: 2018-01-13. Review status: criteria provided, single submitter. Criteria: ICSL Variant Classification Criteria 13 December 2019. Collection method: clinical testing. Allele origin: germline.

NM_000088.4(COL1A1):c.2743C>T (p.Pro915Ser)

Gene: COL1A1 (collagen type I alpha 1 chain; minus strand). Cytogenetic location: 17q21.33.
Variant type: single nucleotide variant.
Coding change: c.2743C>T on transcript NM_000088.4 (MANE Select); coding-DNA position 2743, C replaced by T.
Protein change: p.Pro915Ser; replaces proline 915 with serine.
Molecular consequence: missense variant.
Genome position (GRCh38, 1-based): chr17:50,189,463, G>A on the plus strand (C>T on the coding strand, the complement: COL1A1 is on the minus strand). VCF-style: chr17-50189463-G-A. GRCh37 (hg19) VCF-style: chr17-48266824-G-A.
Other names: short protein forms P915S.
Identifiers: ClinVar variation 324106 (VCV000324106.21), dbSNP rs756337302, ClinGen allele CA8644692.